The following is an entry in ClinVar:

ClinVar aggregate classification (germline): Uncertain significance (1 of 4 stars; one submission).

Conditions:
Hereditary cancer-predisposing syndrome. Also called: Hereditary neoplastic syndrome; Tumor predisposition; Neoplastic Syndromes, Hereditary; Hereditary Cancer Syndrome. Identifiers: Orphanet 140162, MedGen C0027672, MeSH D009386, MONDO:0015356.

Allele frequency attached by ClinVar (database versions not stated): 1000 Genomes Project 30x 0.00016.

Submission:

Sema4
Classification: Uncertain significance for Hereditary cancer-predisposing syndrome. Last evaluated: 2021-09-15. Review status: criteria provided, single submitter. Criteria: Sema4 Curation Guidelines. Collection method: curation. Allele origin: germline.
Comment: The BRCA1 c.4986+909G>A variant has not been reported in the literature to our knowledge. This variant was not observed in the large and broad cohorts of the Genome Aggregation Database (PMID: 32461654). This variant has not been reported in ClinVar. Functional studies have not been performed, and in silico predictions of the variant's effect are not available. The overall evidence is insufficient to meet ACMG/AMP criteria for classifying it as benign or pathogenic. In summary, the clinical significance of this variant is currently uncertain.

NM_007294.4(BRCA1):c.4986+909G>A

Gene: BRCA1 (BRCA1 DNA repair associated; minus strand). Cytogenetic location: 17q21.31.
Variant type: single nucleotide variant.
Coding change: c.4986+909G>A on transcript NM_007294.4 (MANE Select); 909 bases into the intron after coding-DNA position 4986, G replaced by A.
Molecular consequence: intron variant.
Genome position (GRCh38, 1-based): chr17:43,070,019, C>T on the plus strand (G>A on the coding strand, the complement: BRCA1 is on the minus strand). VCF-style: chr17-43070019-C-T. GRCh37 (hg19) VCF-style: chr17-41222036-C-T.
Other names: c.4773+909G>A (NM_001407897.1, NM_001407908.1, NM_001407898.1 and 12 more transcripts); c.4653+909G>A (NM_001407947.1, NM_001407949.1, NM_001407946.1 and 1 more transcripts); c.839-6068G>A (NM_001408514.1); c.1464+909G>A (NM_001408485.1, NM_001408483.1, NM_001408491.1 and 5 more transcripts); c.4776+909G>A (NM_001407882.1, NM_001407885.1, NM_001407886.1 and 5 more transcripts); c.1548+909G>A (NM_001408447.1, NM_001408446.1, NM_001408448.1 and 2 more transcripts); c.1551+909G>A (NM_001408433.1, NM_001408441.1, NM_001408437.1 and 10 more transcripts); c.4854+909G>A (NM_001407690.1, NM_001407691.1); and 71 more.
Identifiers: ClinVar variation 1692973 (VCV001692973.1), dbSNP rs8176223, ClinGen allele CA290829534.